The following is an entry in ClinVar:

ClinVar aggregate classification (germline): Uncertain significance. Review status: criteria provided, multiple submitters, no conflicts (2 of 4 stars). 2 submissions from 2 submitters: Uncertain significance (2). Last evaluated 2022-05-02.

Conditions:
Neurofibromatosis, type 1 (NF1). Also called: VON RECKLINGHAUSEN DISEASE; NEUROFIBROMATOSIS, TYPE I, SOMATIC; Peripheral type neurofibromatosis; Neurofibromatosis, type I. Identifiers: Orphanet 636, MedGen C0027831, MONDO:0018975, OMIM 162200. Disease mechanism: loss of function.
Cardiovascular phenotype. Identifiers: MedGen CN230736.
Hereditary cancer-predisposing syndrome. Also called: Neoplastic Syndromes, Hereditary; Hereditary neoplastic syndrome; Hereditary Cancer Syndrome; Tumor predisposition. Identifiers: Orphanet 140162, MedGen C0027672, MeSH D009386, MONDO:0015356.

gnomAD v4.1: 1 of 1,613,952 alleles (0.000062%); no homozygotes.

Submissions (2):

Ambry Genetics
Classification: Uncertain significance for Cardiovascular phenotype; Hereditary cancer-predisposing syndrome. Last evaluated: 2022-05-02. Review status: criteria provided, single submitter. Criteria: Ambry Variant Classification Scheme 2023. Collection method: clinical testing. Allele origin: germline.
Comment: The p.I2191N variant (also known as c.6572T>A), located in coding exon 42 of the NF1 gene, results from a T to A substitution at nucleotide position 6572. The isoleucine at codon 2191 is replaced by asparagine, an amino acid with dissimilar properties. This amino acid position is conserved. In addition, the in silico prediction for this alteration is inconclusive. Since supporting evidence is limited at this time, the clinical significance of this alteration remains unclear.

Labcorp Genetics (formerly Invitae), Labcorp
Classification: Uncertain significance for Neurofibromatosis, type 1. Last evaluated: 2018-10-26. Review status: criteria provided, single submitter. Criteria: Invitae Variant Classification Sherloc (09022015). Collection method: clinical testing. Allele origin: germline.
Comment: This sequence change replaces isoleucine with asparagine at codon 2191 of the NF1 protein (p.Ile2191Asn). The isoleucine residue is moderately conserved and there is a large physicochemical difference between isoleucine and asparagine. In summary, the available evidence is currently insufficient to determine the role of this variant in disease. Therefore, it has been classified as a Variant of Uncertain Significance. Algorithms developed to predict the effect of missense changes on protein structure and function are either unavailable or do not agree on the potential impact of this missense change (SIFT: "Deleterious"; PolyPhen-2: "Probably Damaging"; Align-GVGD: "Class C0"). This variant has not been reported in the literature in individuals with NF1-related disease. This variant is not present in population databases (ExAC no frequency).

NM_001042492.3(NF1):c.6635T>A (p.Ile2212Asn)

Gene: NF1 (neurofibromin 1; plus strand). Cytogenetic location: 17q11.2.
Variant type: single nucleotide variant.
Coding change: c.6635T>A on transcript NM_001042492.3 (MANE Select); coding-DNA position 6635, T replaced by A.
Protein change: p.Ile2212Asn; replaces isoleucine 2212 with asparagine.
Molecular consequence: missense variant.
Genome position (GRCh38, 1-based): chr17:31,337,575, T>A. VCF-style: chr17-31337575-T-A. GRCh37 (hg19) VCF-style: chr17-29664593-T-A.
Other names: c.6572T>A, p.Ile2191Asn (NM_000267.4); short protein forms I2191N, I2212N.
Identifiers: ClinVar variation 655783 (VCV000655783.8), dbSNP rs1597844075, ClinGen allele CA399013542.